The following is an entry in ClinVar:

ClinVar aggregate classification (germline): Uncertain significance. Review status: criteria provided, multiple submitters, no conflicts (2 of 4 stars). 2 submissions from 2 submitters: Uncertain significance (2). Last evaluated 2025-05-06.

Conditions:
Hereditary cancer-predisposing syndrome. Also called: Hereditary neoplastic syndrome; Neoplastic Syndromes, Hereditary; Hereditary Cancer Syndrome; Tumor predisposition. Identifiers: Orphanet 140162, MedGen C0027672, MeSH D009386, MONDO:0015356.
Multiple endocrine neoplasia, type 2 (MEN2). Identifiers: Orphanet 653, MedGen C4048306, MONDO:0019003. Disease mechanism: gain of function.

Submissions (2):

Ambry Genetics
Classification: Uncertain significance for Hereditary cancer-predisposing syndrome. Last evaluated: 2025-05-06. Review status: criteria provided, single submitter. Criteria: Ambry Variant Classification Scheme 2023. Collection method: clinical testing. Allele origin: germline.
Comment: The p.E1036Q variant (also known as c.3106G>C), located in coding exon 19 of the RET gene, results from a G to C substitution at nucleotide position 3106. The glutamic acid at codon 1036 is replaced by glutamine, an amino acid with highly similar properties. This amino acid position is highly conserved in available vertebrate species. In addition, the in silico prediction for this alteration is inconclusive. Based on the available evidence, the clinical significance of this variant remains unclear.

Labcorp Genetics (formerly Invitae), Labcorp
Classification: Uncertain significance for Multiple endocrine neoplasia, type 2. Last evaluated: 2023-12-12. Review status: criteria provided, single submitter. Criteria: Invitae Variant Classification Sherloc (09022015). Collection method: clinical testing. Allele origin: germline.
Comment: This sequence change replaces glutamic acid, which is acidic and polar, with glutamine, which is neutral and polar, at codon 1036 of the RET protein (p.Glu1036Gln). This variant is not present in population databases (gnomAD no frequency). This variant has not been reported in the literature in individuals affected with RET-related conditions. An algorithm developed to predict the effect of missense changes on protein structure and function (PolyPhen-2) suggests that this variant is likely to be disruptive. In summary, the available evidence is currently insufficient to determine the role of this variant in disease. Therefore, it has been classified as a Variant of Uncertain Significance.

NM_020975.6(RET):c.3106G>C (p.Glu1036Gln)

Gene: RET (ret proto-oncogene; plus strand). Cytogenetic location: 10q11.21.
Variant type: single nucleotide variant.
Coding change: c.3106G>C on transcript NM_020975.6 (MANE Select); coding-DNA position 3106, G replaced by C.
Protein change: p.Glu1036Gln; replaces glutamic acid 1036 with glutamine.
Molecular consequence: missense variant.
Genome position (GRCh38, 1-based): chr10:43,126,641, G>C. VCF-style: chr10-43126641-G-C. GRCh37 (hg19) VCF-style: chr10-43622089-G-C.
Other names: c.1657G>C, p.Glu553Gln (NM_001406792.1, NM_001406793.1, NM_001406794.1); c.3106G>C, p.Glu1036Gln (NM_020629.2, NM_020630.7, NM_000323.2 and 4 more transcripts); c.2344G>C, p.Glu782Gln (NM_001355216.2); c.2977G>C, p.Glu993Gln (NM_001406761.1, NM_001406762.1, NM_001406764.1); c.2971G>C, p.Glu991Gln (NM_001406763.1, NM_001406765.1); c.2818G>C, p.Glu940Gln (NM_001406766.1, NM_001406767.1, NM_001406770.1); c.2842G>C, p.Glu948Gln (NM_001406768.1); c.2710G>C, p.Glu904Gln (NM_001406769.1, NM_001406772.1); and 10 more; short protein forms E697Q, E991Q, E1036Q, E601Q, E692Q, E706Q, E940Q, E948Q.
Identifiers: ClinVar variation 2702396 (VCV002702396.4), dbSNP rs1838336457, ClinGen allele CA376558405.